The following is an entry in ClinVar:

NM_014974.3(DIP2C):c.956C>T (p.Ser319Leu)

Gene: DIP2C (DIP2 acetate--CoA ligase C (putative); minus strand). Cytogenetic location: 10p15.3.
Variant type: single nucleotide variant.
Coding change: c.956C>T on transcript NM_014974.3 (MANE Select); coding-DNA position 956, C replaced by T.
Protein change: p.Ser319Leu; replaces serine 319 with leucine.
Molecular consequence: missense variant.
Genome position (GRCh38, 1-based): chr10:414,014, G>A on the plus strand (C>T on the coding strand, the complement: DIP2C is on the minus strand). VCF-style: chr10-414014-G-A. GRCh37 (hg19) VCF-style: chr10-459954-G-A.
Other names: short protein forms S319L.
Identifiers: ClinVar variation 1949135 (VCV001949135.5), dbSNP rs1327689764, ClinGen allele CA375832055.

ClinVar aggregate classification (germline): Uncertain significance (1 of 4 stars; one submission).

Allele frequency attached by ClinVar (database versions not stated): gnomAD exomes below 0.00001.
gnomAD v4.1: 1 of 1,614,128 alleles (0.000062%); highest among the groups gnomAD compares: Non-Finnish European, 0.000085%; no homozygotes.

Submission:

Labcorp Genetics (formerly Invitae), Labcorp
Classification: Uncertain significance. Last evaluated: 2022-06-16. Review status: criteria provided, single submitter. Criteria: Invitae Variant Classification Sherloc (09022015). Collection method: clinical testing. Allele origin: germline.
Comment: In summary, the available evidence is currently insufficient to determine the role of this variant in disease. Therefore, it has been classified as a Variant of Uncertain Significance. Algorithms developed to predict the effect of missense changes on protein structure and function are either unavailable or do not agree on the potential impact of this missense change (SIFT: "Tolerated"; PolyPhen-2: "Possibly Damaging"; Align-GVGD: "Class C0"). This variant has not been reported in the literature in individuals affected with DIP2C-related conditions. This variant is not present in population databases (gnomAD no frequency). This sequence change replaces serine, which is neutral and polar, with leucine, which is neutral and non-polar, at codon 319 of the DIP2C protein (p.Ser319Leu).